The following is an entry in ClinVar:

ClinVar aggregate classification (germline): Conflicting classifications of pathogenicity. Review status: criteria provided, conflicting classifications (1 of 4 stars). 3 submissions from 3 submitters: Uncertain significance (1); Likely benign (2). Last evaluated 2025-03-06.

Conditions:
Inborn genetic diseases. Identifiers: MedGen C0950123, MeSH D030342.
Intellectual developmental disorder, X-linked 1. Also called: Intellectual disability, X-linked 1; Atkin Flaitz Patil Smith syndrome; MENTAL RETARDATION, X-LINKED 18; MENTAL RETARDATION, X-LINKED 78. Identifiers: Orphanet 777, MedGen C2931498, MONDO:0010656, OMIM 309530.

Submissions (3):

Ambry Genetics
Classification: Uncertain significance for Inborn genetic diseases. Last evaluated: 2025-03-06. Review status: criteria provided, single submitter. Criteria: Ambry Variant Classification Scheme 2023. Collection method: clinical testing. Allele origin: germline.
Comment: The c.3729_3737delCCACCACCA (p.H1245_H1247del) alteration is located in exon 15 (coding exon 15) of the IQSEC2 gene. This alteration consists of an in-frame deletion of 9 nucleotides between nucleotide positions c.3729 and c.3737, resulting in the deletion of 3 residues. Based on insufficient or conflicting evidence, the clinical significance of this alteration remains unclear.

Labcorp Genetics (formerly Invitae), Labcorp
Classification: Likely benign for Intellectual developmental disorder, X-linked 1. Last evaluated: 2023-11-27. Review status: criteria provided, single submitter. Criteria: Invitae Variant Classification Sherloc (09022015). Collection method: clinical testing. Allele origin: germline.

GeneDx
Classification: Likely benign. Last evaluated: 2018-10-25. Review status: criteria provided, single submitter. Criteria: GeneDx Variant Classification Process June 2021. Collection method: clinical testing. Allele origin: germline. Affected: yes.

NM_001111125.3(IQSEC2):c.3717CCA[4] (p.His1245_His1247del)

Gene: IQSEC2 (IQ motif and Sec7 domain ArfGEF 2; minus strand). Cytogenetic location: Xp11.22.
Variant type: Microsatellite.
Coding change: c.3717CCA[4] on transcript NM_001111125.3 (MANE Select); four copies in a row of the 3-base unit CCA starting at c.3717; the reference has seven copies in a row; three copies, 9 bases deleted.
Protein change: p.His1245_His1247del.
Molecular consequence: inframe deletion. On other transcripts: 3 prime UTR variant (1).
Genome position (GRCh38, 1-based): chrX:53,234,949-53,234,957, TGGTGGTGG deleted on the plus strand (CCACCACCA on the coding strand, the reverse complement: IQSEC2 is on the minus strand); deleting any 9 consecutive bases within chrX:53,234,949-53,234,971 gives the same sequence; the position shown is the placement nearest the transcript's 3' end. VCF-style (leftmost placement, unchanged base first): chrX-53234948-ATGGTGGTGG-A. GRCh37 (hg19) VCF-style: chrX-53264130-ATGGTGGTGG-A.
Other names: c.3729_3737delCCACCACCA (NM_001111125.1, NM_001111125.2); c.*202CCA[4] (NM_015075.2).
Identifiers: ClinVar variation 420371 (VCV000420371.13), dbSNP rs782189881, ClinGen allele CA16621441.